The following is an entry in ClinVar:

ClinVar aggregate classification (germline): Pathogenic. Review status: criteria provided, multiple submitters, no conflicts (2 of 4 stars). 8 submissions from 8 submitters: Pathogenic (7). 1 of the submissions does not count toward it. Last evaluated 2026-01-06.

Conditions:
Retinitis pigmentosa (RP). Identifiers: Orphanet 791, MedGen C0035334, MeSH D012174, MONDO:0019200, OMIM 268000. Inheritance: Autosomal dominant, autosomal recessive and X linked inheritance.
Retinitis pigmentosa 25 (RP25). Identifiers: Orphanet 791, MedGen C1864446, MONDO:0011272, OMIM 602772.

Submissions (8):

Myriad Genetics, Inc.
Classification: Pathogenic for Retinitis pigmentosa 25. Last evaluated: 2026-01-06. Review status: criteria provided, single submitter. Criteria: Myriad Autosomal Dominant, Autosomal Recessive and X-Linked Classification Criteria (2023). Collection method: clinical testing. Allele origin: unknown.
Comment: NM_001142800.1(EYS):c.4829_4832delCATT(S1610Ffs*7) is a frameshift variant classified as pathogenic in the context of retinitis pigmentosa, EYS-related. S1610Ffs*7 has been observed in cases with relevant disease (PMID: 28704921, 30471616, 30718709). Relevant functional assessments of this variant are not available in the literature. S1610Ffs*7 has not been observed in referenced population frequency databases. In summary, NM_001142800.1(EYS):c.4829_4832delCATT(S1610Ffs*7) is a frameshift variant in a gene where loss of function is a known mechanism of disease, is predicted to disrupt protein function, and has been observed more frequently in cases with the relevant disease than in healthy populations. Please note: this variant was assessed in the context of healthy population screening.

Natera, Inc.
Classification: Pathogenic for Retinitis pigmentosa type 25. Last evaluated: 2024-12-11. Review status: criteria provided, single submitter. Criteria: Natera Variant Classification Schema (03/2026). Collection method: clinical testing. Allele origin: germline.
Comment: The c.4829_4832delCATT variant in EYS is a frameshift variant predicted to shift the reading frame beginning at codon 1610 and leads to a stop codon 7 codons downstream. This variant is expected to result in nonsense mediated decay, truncation, or a dysfunctional protein product. This variant is rare in the general population with a frequency below the threshold expected for the associated phenotype(s). This variant has been observed in one or more individuals affected with the associated recessive disease, as either homozygous or compound heterozygous with a second variant (PMID: 28704921). Given the available evidence, this variant is classified as Pathogenic.

Baylor Genetics
Classification: Pathogenic for Retinitis pigmentosa 25. Last evaluated: 2023-08-20. Review status: criteria provided, single submitter. Criteria: ACMG Guidelines, 2015. Collection method: clinical testing. Allele origin: unknown.

Labcorp Genetics (formerly Invitae), Labcorp
Classification: Pathogenic. Last evaluated: 2023-05-19. Review status: criteria provided, single submitter. Criteria: Invitae Variant Classification Sherloc (09022015). Collection method: clinical testing. Allele origin: germline.
Comment: For these reasons, this variant has been classified as Pathogenic. This variant is also known as 4827_4830delTTCA. This premature translational stop signal has been observed in individual(s) with autosomal recessive retinitis pigmentosa (PMID: 21519034, 28704921). This variant is not present in population databases (gnomAD no frequency). This sequence change creates a premature translational stop signal (p.Ser1610Phefs*7) in the EYS gene. It is expected to result in an absent or disrupted protein product. Loss-of-function variants in EYS are known to be pathogenic (PMID: 18836446, 20333770).

Ocular Genomics Institute, Massachusetts Eye and Ear
Classification: Pathogenic for Retinitis pigmentosa 25. Last evaluated: 2021-04-08. Review status: criteria provided, single submitter. Criteria: ACMG Guidelines, 2015. Collection method: research. Allele origin: germline. Affected: yes.
Comment: Through a review of available evidence we were able to apply the following criteria: PVS1, PM2, PS1. Based on this evidence we have classified this variant as Pathogenic.

CeGaT Center for Human Genetics Tuebingen
Classification: Pathogenic. Last evaluated: 2018-12-01. Review status: criteria provided, single submitter. Criteria: CeGaT Center For Human Genetics Tuebingen Variant Classification Criteria Version 2. Collection method: clinical testing. Allele origin: germline. Affected: yes. Observed: 1 variant allele.

Eurofins Ntd Llc (ga)
Classification: Pathogenic. Last evaluated: 2016-08-02. Review status: criteria provided, single submitter. Criteria: EGL Classification Definitions 2015. Collection method: clinical testing. Allele origin: germline. Observed: 1 variant allele, 1 heterozygote.

Department of Clinical Genetics, Copenhagen University Hospital, Rigshospitalet
Classification: Pathogenic for Retinitis pigmentosa. Last evaluated: 2018-04-01. Review status: no assertion criteria provided. Collection method: research. Allele origin: unknown. Affected: yes. Study: VeluxRD. Not counted in ClinVar's aggregate classification.

Literature cited by the submitters: PubMed 28704921 (cited by 4 submitters); PubMed 30471616 (cited by Myriad Genetics, Inc.); PubMed 30718709 (cited by 3 submitters); PubMed 21519034 (cited by Labcorp Genetics (formerly Invitae), Labcorp and Ocular Genomics Institute, Massachusetts Eye and Ear); PubMed 18836446 (cited by Labcorp Genetics (formerly Invitae), Labcorp); PubMed 20333770 (cited by Labcorp Genetics (formerly Invitae), Labcorp).

NM_001142800.2(EYS):c.4829_4832del (p.Ser1610fs)

Gene: EYS (EGF-like photoreceptor maintenance factor; minus strand). Cytogenetic location: 6q12.
Variant type: Microsatellite.
Coding change: c.4829_4832del on transcript NM_001142800.2 (MANE Select); coding-DNA positions 4829 to 4832, 4 bases deleted (CATT; older notation c.4829_4832delCATT).
Protein change: p.Ser1610fs; shifts the reading frame from serine 1610.
Molecular consequence: frameshift variant.
Genome position (GRCh38, 1-based): chr6:64,591,035-64,591,038, AATG deleted on the plus strand (CATT on the coding strand, the reverse complement: EYS is on the minus strand); deleting any 4 consecutive bases within chr6:64,591,035-64,591,042 gives the same sequence; the c. name uses the placement nearest the transcript's 3' end. VCF-style (leftmost placement, unchanged base first): chr6-64591034-AAATG-A. GRCh37 (hg19) VCF-style: chr6-65300927-AAATG-A.
Other names: c.4829_4832delCATT (NM_001142800.1); c.4829_4832del, p.Ser1610fs (NM_001292009.2); short protein forms S1610fs.
Identifiers: ClinVar variation 289905 (VCV000289905.58), dbSNP rs886044304, ClinGen allele CA10606593.